The following is an entry in ClinVar:

NM_032043.3(BRIP1):c.199C>T (p.Leu67Phe)

Gene: BRIP1 (BRCA1 interacting DNA helicase 1; minus strand). Cytogenetic location: 17q23.2.
Variant type: single nucleotide variant.
Coding change: c.199C>T on transcript NM_032043.3 (MANE Select); coding-DNA position 199, C replaced by T.
Protein change: p.Leu67Phe; replaces leucine 67 with phenylalanine.
Molecular consequence: missense variant.
Genome position (GRCh38, 1-based): chr17:61,859,802, G>A on the plus strand (C>T on the coding strand, the complement: BRIP1 is on the minus strand). VCF-style: chr17-61859802-G-A. GRCh37 (hg19) VCF-style: chr17-59937163-G-A.
Other names: short protein forms L67F.
Identifiers: ClinVar variation 1784129 (VCV001784129.6), dbSNP rs2145849590, ClinGen allele CA400485655.
Genomic context (GRCh38, chr17:61,859,802, plus strand): 5'-TTATATTTTCTCAGATCCCAGTAAGTAACCTGAAGATATCAAGCAACTACTTACCACTAA[G>A]AGATTGTTGCCATGCTAAAGCAGAACAAAGTAAGGCTAAGCTTTTTCCACTTCCTGTGGG-3'
Protein context (NP_114432.2, residues 57-77): LCSALAWQQS[Leu67Phe]SGKPADEGVS

ClinVar aggregate classification (germline): Uncertain significance. Review status: criteria provided, multiple submitters, no conflicts (2 of 4 stars). 2 submissions from 2 submitters: Uncertain significance (2). Last evaluated 2025-05-15.

Conditions:
Fanconi anemia complementation group J. Also called: BRIP1-Related Fanconi Anemia. Identifiers: Orphanet 84, MedGen C1836860, MONDO:0012187, OMIM 609054.
Familial cancer of breast. Also called: BREAST CANCER, FAMILIAL; Hereditary breast cancer; hereditary breast carcinoma. Identifiers: Orphanet 227535, MedGen C0346153, MONDO:0016419, OMIM 114480. Disease mechanism: loss of function.
Hereditary cancer-predisposing syndrome. Also called: Tumor predisposition; Neoplastic Syndromes, Hereditary; Hereditary Cancer Syndrome; Hereditary neoplastic syndrome. Identifiers: Orphanet 140162, MedGen C0027672, MeSH D009386, MONDO:0015356.

Submissions (2):

Labcorp Genetics (formerly Invitae), Labcorp
Classification: Uncertain significance for Familial cancer of breast; Fanconi anemia complementation group J. Last evaluated: 2025-05-15. Review status: criteria provided, single submitter. Criteria: Invitae Variant Classification Sherloc (09022015). Collection method: clinical testing. Allele origin: germline.
Comment: This sequence change replaces leucine, which is neutral and non-polar, with phenylalanine, which is neutral and non-polar, at codon 67 of the BRIP1 protein (p.Leu67Phe). This variant is not present in population databases (gnomAD no frequency). This variant has not been reported in the literature in individuals affected with BRIP1-related conditions. ClinVar contains an entry for this variant (Variation ID: 1784129). Invitae Evidence Modeling of protein sequence and biophysical properties (such as structural, functional, and spatial information, amino acid conservation, physicochemical variation, residue mobility, and thermodynamic stability) indicates that this missense variant is not expected to disrupt BRIP1 protein function with a negative predictive value of 95%. In summary, the available evidence is currently insufficient to determine the role of this variant in disease. Therefore, it has been classified as a Variant of Uncertain Significance.

Ambry Genetics
Classification: Uncertain significance for Hereditary cancer-predisposing syndrome. Last evaluated: 2024-03-15. Review status: criteria provided, single submitter. Criteria: Ambry Variant Classification Scheme 2023. Collection method: clinical testing. Allele origin: germline.
Comment: The p.L67F variant (also known as c.199C>T), located in coding exon 2 of the BRIP1 gene, results from a C to T substitution at nucleotide position 199. The leucine at codon 67 is replaced by phenylalanine, an amino acid with highly similar properties. This amino acid position is well conserved in available vertebrate species. In addition, this alteration is predicted to be tolerated by in silico analysis. Since supporting evidence is limited at this time, the clinical significance of this alteration remains unclear.